The following is an entry in ClinVar:

ClinVar aggregate classification (germline): Uncertain significance (1 of 4 stars; one submission).

Conditions:
Autosomal dominant nocturnal frontal lobe epilepsy 5. Also called: KCNT1-Related Epilepsy; CILIARY DYSKINESIA, PRIMARY, 28, WITH SITUS INVERSUS; CILIARY DYSKINESIA, PRIMARY, 28, WITHOUT SITUS INVERSUS; Epilepsy, nocturnal frontal lobe, 5. Identifiers: Orphanet 98784, MedGen C3554306, MONDO:0014002, OMIM 615005.
Developmental and epileptic encephalopathy, 14 (DEE14). Also called: Early infantile epileptic encephalopathy 14. Identifiers: Orphanet 293181, MedGen C3554195, MONDO:0013989, OMIM 614959.

gnomAD v4.1: 3 of 1,613,018 alleles (0.00019%); highest among the groups gnomAD compares: Admixed American, 0.0033%; no homozygotes.

Submission:

Labcorp Genetics (formerly Invitae), Labcorp
Classification: Uncertain significance for Autosomal dominant nocturnal frontal lobe epilepsy 5; Developmental and epileptic encephalopathy, 14. Last evaluated: 2023-04-11. Review status: criteria provided, single submitter. Criteria: Invitae Variant Classification Sherloc (09022015). Collection method: clinical testing. Allele origin: germline.
Comment: This variant has not been reported in the literature in individuals affected with KCNT1-related conditions. In summary, the available evidence is currently insufficient to determine the role of this variant in disease. Therefore, it has been classified as a Variant of Uncertain Significance. Advanced modeling of protein sequence and biophysical properties (such as structural, functional, and spatial information, amino acid conservation, physicochemical variation, residue mobility, and thermodynamic stability) performed at Invitae indicates that this missense variant is not expected to disrupt KCNT1 protein function. This variant is present in population databases (no rsID available, gnomAD 0.003%). This sequence change replaces glutamine, which is neutral and polar, with arginine, which is basic and polar, at codon 1059 of the KCNT1 protein (p.Gln1059Arg).

NM_020822.3(KCNT1):c.3176A>G (p.Gln1059Arg)

Gene: KCNT1 (potassium sodium-activated channel subfamily T member 1; plus strand). Cytogenetic location: 9q34.3.
Variant type: single nucleotide variant.
Coding change: c.3176A>G on transcript NM_020822.3 (MANE Select); coding-DNA position 3176, A replaced by G.
Protein change: p.Gln1059Arg; replaces glutamine 1059 with arginine.
Molecular consequence: missense variant.
Genome position (GRCh38, 1-based): chr9:135,785,329, A>G. VCF-style: chr9-135785329-A-G. GRCh37 (hg19) VCF-style: chr9-138677175-A-G.
Other names: c.3041A>G, p.Gln1014Arg (NM_001272003.2); short protein forms Q1014R, Q1059R.
Identifiers: ClinVar variation 2924135 (VCV002924135.3), dbSNP rs1489453171, ClinGen allele CA375490735.